The following is an entry in ClinVar:

NM_000046.5(ARSB):c.956G>A (p.Trp319Ter)

Gene: ARSB (arylsulfatase B; minus strand). Cytogenetic location: 5q14.1.
Variant type: single nucleotide variant.
Coding change: c.956G>A on transcript NM_000046.5 (MANE Select); coding-DNA position 956, G replaced by A.
Protein change: p.Trp319Ter; replaces tryptophan 319 with a stop codon.
Molecular consequence: nonsense.
Genome position (GRCh38, 1-based): chr5:78,885,770, C>T on the plus strand (G>A on the coding strand, the complement: ARSB is on the minus strand). VCF-style: chr5-78885770-C-T. GRCh37 (hg19) VCF-style: chr5-78181593-C-T.
Other names: c.956G>A, p.Trp319Ter (NM_198709.3); short protein forms W319*.
Identifiers: ClinVar variation 2089502 (VCV002089502.4), dbSNP rs1284351522, ClinGen allele CA360343350.
Genomic context (GRCh38, chr5:78,885,770, plus strand): 5'-TGCTTCAGCAAGGGGCTTGCCACAAAGCCCACCCCTCGGACGCCTCCTTCCCACAGGCTC[C>T]ATTTTCTTCCTCGAAGGGGCCAGTTATTACCCCCTGCCAAAGTCTGCCCTCCGTTATCTG-3'

ClinVar aggregate classification (germline): Pathogenic (1 of 4 stars; one submission).

Conditions:
Mucopolysaccharidosis type 6 (MPS6). Also called: N-ACETYLGALACTOSAMINE-4-SULFATASE DEFICIENCY; MPS VI; ARSB DEFICIENCY; ARYLSULFATASE B DEFICIENCY; MPS 6; Maroteaux Lamy syndrome. Identifiers: Orphanet 583, MedGen C0026709, MONDO:0009661, OMIM 253200.

Allele frequency attached by ClinVar (database versions not stated): gnomAD exomes below 0.00001.
gnomAD v4.1: 1 of 1,614,152 alleles (0.000062%); highest among the groups gnomAD compares: Non-Finnish European, 0.000085%; no homozygotes.

Submission:

Labcorp Genetics (formerly Invitae), Labcorp
Classification: Pathogenic for Mucopolysaccharidosis type 6. Last evaluated: 2022-02-03. Review status: criteria provided, single submitter. Criteria: Invitae Variant Classification Sherloc (09022015). Collection method: clinical testing. Allele origin: germline.
Comment: This sequence change creates a premature translational stop signal (p.Trp319*) in the ARSB gene. It is expected to result in an absent or disrupted protein product. Loss-of-function variants in ARSB are known to be pathogenic (PMID: 17458871, 22133300). This variant is present in population databases (no rsID available, gnomAD 0.0009%). This variant has not been reported in the literature in individuals affected with ARSB-related conditions. For these reasons, this variant has been classified as Pathogenic.

Literature cited by the submitters: PubMed 17458871; PubMed 22133300.